The following is an entry in ClinVar:

NM_015662.3(IFT172):c.146G>A (p.Arg49Gln)

Gene: IFT172 (intraflagellar transport 172; minus strand). Cytogenetic location: 2p23.3.
Variant type: single nucleotide variant.
Coding change: c.146G>A on transcript NM_015662.3 (MANE Select); coding-DNA position 146, G replaced by A.
Protein change: p.Arg49Gln; replaces arginine 49 with glutamine.
Molecular consequence: missense variant.
Genome position (GRCh38, 1-based): chr2:27,485,397, C>T on the plus strand (G>A on the coding strand, the complement: IFT172 is on the minus strand). VCF-style: chr2-27485397-C-T. GRCh37 (hg19) VCF-style: chr2-27708264-C-T.
Other names: short protein forms R49Q.
Identifiers: ClinVar variation 1003094 (VCV001003094.11), dbSNP rs151097967, ClinGen allele CA1581113.

ClinVar aggregate classification (germline): Uncertain significance. Review status: criteria provided, multiple submitters, no conflicts (2 of 4 stars). 6 submissions from 6 submitters: Uncertain significance (5). 1 of the submissions does not count toward it. Last evaluated 2024-02-29.

Conditions:
Retinitis pigmentosa 71 (RP71). Identifiers: Orphanet 791, MedGen C4225342, MONDO:0014618, OMIM 616394.
Short-rib thoracic dysplasia 10 with or without polydactyly (SRTD10). Identifiers: Orphanet 474, MedGen C3810175, MONDO:0014284, OMIM 615630.
IFT172-related disorder. Also called: IFT172-related disorders; IFT172-related condition.
Bardet-Biedl syndrome 20. Identifiers: MedGen C4310707, MONDO:0023670, OMIM 619471, MONDO:0014926.

Allele frequency attached by ClinVar (database versions not stated): ESP Exome Variant Server 0.00008; gnomAD 0.00011; TOPMed 0.00011; gnomAD exomes 0.00014 and 0.00016; ExAC 0.00026.
gnomAD v4.1: 228 of 1,613,992 alleles (0.014%); highest among the groups gnomAD compares: Non-Finnish European, 0.017%; no homozygotes.

Submissions (6):

Blueprint Genetics
Classification: Uncertain significance. Last evaluated: 2024-02-29. Review status: criteria provided, single submitter. Criteria: ACMG Guidelines, 2015. Collection method: clinical testing. Allele origin: germline.

Fulgent Genetics
Classification: Uncertain significance for Short-rib thoracic dysplasia 10 with or without polydactyly; Retinitis pigmentosa 71; Bardet-Biedl syndrome 20. Last evaluated: 2024-01-22. Review status: criteria provided, single submitter. Criteria: ACMG Guidelines, 2015. Collection method: clinical testing. Allele origin: germline.

Labcorp Genetics (formerly Invitae), Labcorp
Classification: Uncertain significance for Retinitis pigmentosa 71; Short-rib thoracic dysplasia 10 with or without polydactyly. Last evaluated: 2022-06-04. Review status: criteria provided, single submitter. Criteria: Invitae Variant Classification Sherloc (09022015). Collection method: clinical testing. Allele origin: germline.
Comment: This sequence change replaces arginine, which is basic and polar, with glutamine, which is neutral and polar, at codon 49 of the IFT172 protein (p.Arg49Gln). This variant is present in population databases (rs151097967, gnomAD 0.03%). This variant has not been reported in the literature in individuals affected with IFT172-related conditions. ClinVar contains an entry for this variant (Variation ID: 1003094). Algorithms developed to predict the effect of missense changes on protein structure and function are either unavailable or do not agree on the potential impact of this missense change (SIFT: "Tolerated"; PolyPhen-2: "Possibly Damaging"; Align-GVGD: "Class C0"). In summary, the available evidence is currently insufficient to determine the role of this variant in disease. Therefore, it has been classified as a Variant of Uncertain Significance.

GeneDx
Classification: Uncertain significance. Last evaluated: 2019-12-13. Review status: criteria provided, single submitter. Criteria: GeneDx Variant Classification Process June 2021. Collection method: clinical testing. Allele origin: germline. Affected: yes.
Comment: In silico analysis, which includes protein predictors and evolutionary conservation, supports that this variant does not alter protein structure/function; Has not been previously published as pathogenic or benign to our knowledge

Breakthrough Genomics
Classification: Uncertain significance. Review status: criteria provided, single submitter. Criteria: ACMG Guidelines, 2015. Collection method: not provided. Allele origin: germline. Inheritance: Autosomal recessive inheritance. Affected: yes.

PreventionGenetics, part of Exact Sciences
Classification: Uncertain significance for IFT172-related condition. Last evaluated: 2024-02-07. Review status: no assertion criteria provided. Collection method: clinical testing. Allele origin: germline. Not counted in ClinVar's aggregate classification.
Comment: The IFT172 c.146G>A variant is predicted to result in the amino acid substitution p.Arg49Gln. To our knowledge, this variant has not been reported in the literature. This variant is reported in 0.029% of alleles in individuals of European (Non-Finnish) descent in gnomAD. At this time, the clinical significance of this variant is uncertain due to the absence of conclusive functional and genetic evidence.